The following is an entry in ClinVar:

ClinVar aggregate classification (germline): Conflicting classifications of pathogenicity. Review status: criteria provided, conflicting classifications (1 of 4 stars). 3 submissions from 3 submitters: Uncertain significance (1); Likely benign (2). Last evaluated 2024-10-17.

Conditions:
PKD1-related disorder. Also called: PKD1-related condition.
Polycystic kidney disease, adult type (PKD1). Also called: Polycystic Kidney Disease 1, Autosomal Dominant; Polycystic kidney disease 1; Polycystic kidney disease 1, severe; Polycystic Kidney, Autosomal Dominant; POLYCYSTIC KIDNEY DISEASE 1 WITH OR WITHOUT POLYCYSTIC LIVER DISEASE; POLYCYSTIC KIDNEY DISEASE, ADULT, TYPE I. Identifiers: MedGen C3149841, MONDO:0008263, OMIM 173900.

Allele frequency attached by ClinVar (database versions not stated): ExAC 0.00001; gnomAD exomes 0.00001; gnomAD 0.00013; TOPMed 0.00014.
gnomAD v4.1: 40 of 1,611,132 alleles (0.0025%); highest among the groups gnomAD compares: African/African-American, 0.049%; no homozygotes.

Submissions (3):

PreventionGenetics, part of Exact Sciences
Classification: Likely benign for PKD1-related condition. Last evaluated: 2024-10-17. Review status: criteria provided, single submitter. Criteria: ACMG Guidelines, 2015. Collection method: clinical testing. Allele origin: germline.
Comment: This variant is classified as likely benign based on ACMG/AMP sequence variant interpretation guidelines (Richards et al. 2015 PMID: 25741868, with internal and published modifications).

Fulgent Genetics
Classification: Likely benign for Polycystic kidney disease, adult type. Last evaluated: 2024-01-22. Review status: criteria provided, single submitter. Criteria: ACMG Guidelines, 2015. Collection method: clinical testing. Allele origin: germline.

Women's Health and Genetics/Laboratory Corporation of America, LabCorp
Classification: Uncertain significance. Last evaluated: 2023-05-26. Review status: criteria provided, single submitter. Criteria: LabCorp Variant Classification Summary - May 2015. Collection method: clinical testing. Allele origin: germline.
Comment: Variant summary: PKD1 c.4252A>T (p.Thr1418Ser) results in a conservative amino acid change located in the PKD domain (IPR000601) of the encoded protein sequence. Five of five in-silico tools predict a benign effect of the variant on protein function. The variant allele was found at a frequency of 2.4e-05 in 248688 control chromosomes (gnomAD). The available data on variant occurrences in the general population are insufficient to allow any conclusion about variant significance. To our knowledge, no occurrence of c.4252A>T in individuals affected with Polycystic Kidney Disease 1 and no experimental evidence demonstrating its impact on protein function have been reported. No clinical diagnostic laboratories have submitted clinical-significance assessments for this variant to ClinVar after 2014. Based on the evidence outlined above, the variant was classified as uncertain significance.

NM_001009944.3(PKD1):c.4252A>T (p.Thr1418Ser)

Gene: PKD1 (polycystin 1, transient receptor potential channel interacting; minus strand). Cytogenetic location: 16p13.3.
Variant type: single nucleotide variant.
Coding change: c.4252A>T on transcript NM_001009944.3 (MANE Select); coding-DNA position 4252, A replaced by T.
Protein change: p.Thr1418Ser; replaces threonine 1418 with serine.
Molecular consequence: missense variant.
Genome position (GRCh38, 1-based): chr16:2,110,915, T>A on the plus strand (A>T on the coding strand, the complement: PKD1 is on the minus strand). VCF-style: chr16-2110915-T-A. GRCh37 (hg19) VCF-style: chr16-2160916-T-A.
Other names: c.4252A>T, p.Thr1418Ser (NM_000296.4); short protein forms T1418S.
Identifiers: ClinVar variation 2506229 (VCV002506229.3), dbSNP rs780408550, ClinGen allele CA7832443.